The following is an entry in ClinVar:

ClinVar aggregate classification (germline): Benign (1 of 4 stars; one submission).

Conditions:
Combined oxidative phosphorylation defect type 8. Also called: CARDIOMYOPATHY, HYPERTROPHIC MITOCHONDRIAL, FATAL INFANTILE. Identifiers: Orphanet 319504, MedGen C4518839, MONDO:0013570, OMIM 614096.

Allele frequency attached by ClinVar (database versions not stated): gnomAD exomes 0.00141; gnomAD 0.01011 and 0.01086; 1000 Genomes Project 0.01078; TOPMed 0.01113; 1000 Genomes Project 30x 0.01156.
gnomAD v4.1: 1,809 of 351,924 alleles (0.51%); highest among the groups gnomAD compares: African/African-American, 3.5%; 25 homozygotes.

Submission:

Illumina Laboratory Services, Illumina
Classification: Benign for Combined oxidative phosphorylation defect type 8. Last evaluated: 2018-01-13. Review status: criteria provided, single submitter. Criteria: ICSL Variant Classification Criteria 13 December 2019. Collection method: clinical testing. Allele origin: germline.
Comment: This variant was observed in the ICSL laboratory as part of a predisposition screen in an ostensibly healthy population. It had not been previously curated by ICSL or reported in the Human Gene Mutation Database (HGMD: prior to June 1st, 2018), and was therefore a candidate for classification through an automated scoring system. Utilizing variant allele frequency, disease prevalence and penetrance estimates, and inheritance mode, an automated score was calculated to assess if this variant is too frequent to cause the disease. Based on the score and internal cut-off values, a variant classified as benign is not then subjected to further curation. The score for this variant resulted in a classification of benign for this disease.

NM_020745.4(AARS2):c.*343G>A

Gene: AARS2 (alanyl-tRNA synthetase 2, mitochondrial; minus strand). Cytogenetic location: 6p21.1.
Variant type: single nucleotide variant.
Coding change: c.*343G>A on transcript NM_020745.4 (MANE Select); 343 bases downstream of the stop codon, G replaced by A.
Molecular consequence: 3 prime UTR variant.
Genome position (GRCh38, 1-based): chr6:44,300,204, C>T on the plus strand (G>A on the coding strand, the complement: AARS2 is on the minus strand). VCF-style: chr6-44300204-C-T. GRCh37 (hg19) VCF-style: chr6-44267941-C-T.
Identifiers: ClinVar variation 357049 (VCV000357049.5), dbSNP rs149050034, ClinGen allele CA10624100.